The following is an entry in ClinVar:

ClinVar aggregate classification (germline): Likely benign (1 of 4 stars; one submission).

Submission:

Women's Health and Genetics/Laboratory Corporation of America, LabCorp
Classification: Likely benign. Last evaluated: 2025-04-08. Review status: criteria provided, single submitter. Criteria: LabCorp Variant Classification Summary - May 2015. Collection method: clinical testing. Allele origin: germline.
Comment: Variant summary: FLNC c.7991-19C>G alters a nucleotide located at a position not widely known to affect splicing. Consensus agreement among computation tools predict no significant impact on normal splicing. However, these predictions have yet to be confirmed by functional studies. The variant was absent in 203362 control chromosomes. The available data on variant occurrences in the general population are insufficient to allow any conclusion about variant significance. To our knowledge, no occurrence of c.7991-19C>G in individuals affected with Cardiomyopathy and no experimental evidence demonstrating its impact on protein function have been reported. No submitters have cited clinical-significance assessments for this variant to ClinVar. Based on the evidence outlined above, the variant was classified as likely benign.

NM_001458.5(FLNC):c.7991-19C>G

Genes: FLNC (filamin C; plus strand), FLNC-AS1 (FLNC antisense RNA 1; minus strand). Cytogenetic location: 7q32.1.
Variant type: single nucleotide variant.
Coding change: c.7991-19C>G on transcript NM_001458.5 (MANE Select); 19 bases into the intron before coding-DNA position 7991, C replaced by G.
Molecular consequence: intron variant.
Genome position (GRCh38, 1-based): chr7:128,858,317, C>G. VCF-style: chr7-128858317-C-G. GRCh37 (hg19) VCF-style: chr7-128498371-C-G.
Other names: c.7892-19C>G (NM_001127487.2).
Identifiers: ClinVar variation 3896420 (VCV003896420.2).